The following is an entry in ClinVar:

ClinVar aggregate classification (germline): Likely pathogenic. Review status: criteria provided, multiple submitters, no conflicts (2 of 4 stars). 4 submissions from 4 submitters: Likely pathogenic (4). Last evaluated 2025-10-30.

Conditions:
Hereditary cancer-predisposing syndrome. Also called: Neoplastic Syndromes, Hereditary; Hereditary Cancer Syndrome; Tumor predisposition; Hereditary neoplastic syndrome. Identifiers: Orphanet 140162, MedGen C0027672, MeSH D009386, MONDO:0015356.
Ataxia-telangiectasia syndrome (AT). Also called: LOUIS-BAR SYNDROME; Cerebello-oculocutaneous telangiectasia; Immunodeficiency with ataxia telangiectasia; Ataxia-telangiectasia, complementation group D; AT, COMPLEMENTATION GROUP C; Ataxia-telangiectasia, complementation group E. Identifiers: Orphanet 100, MedGen C0004135, MONDO:0008840, OMIM 208900.
Familial cancer of breast. Also called: Hereditary breast cancer; BREAST CANCER, FAMILIAL; hereditary breast carcinoma. Identifiers: Orphanet 227535, MedGen C0346153, MONDO:0016419, OMIM 114480. Disease mechanism: loss of function.

Allele frequency attached by ClinVar (database versions not stated): gnomAD exomes below 0.00001.
gnomAD v4.1: 3 of 1,613,570 alleles (0.00019%); highest among the groups gnomAD compares: Non-Finnish European, 0.00025%; no homozygotes.

Submissions (4):

Labcorp Genetics (formerly Invitae), Labcorp
Classification: Likely pathogenic for Ataxia-telangiectasia syndrome. Last evaluated: 2025-10-30. Review status: criteria provided, single submitter. Criteria: Invitae Variant Classification Sherloc (09022015). Collection method: clinical testing. Allele origin: germline.
Comment: This sequence change affects an acceptor splice site in intron 49 of the ATM gene. It is expected to disrupt RNA splicing. Variants that disrupt the donor or acceptor splice site typically lead to a loss of protein function (PMID: 16199547), and loss-of-function variants in ATM are known to be pathogenic (PMID: 23807571, 25614872). This variant is not present in population databases (gnomAD no frequency). This variant has not been reported in the literature in individuals affected with ATM-related conditions. ClinVar contains an entry for this variant (Variation ID: 482659). Algorithms developed to predict the effect of sequence changes on RNA splicing suggest that this variant may disrupt the consensus splice site. In summary, the currently available evidence indicates that the variant is pathogenic, but additional data are needed to prove that conclusively. Therefore, this variant has been classified as Likely Pathogenic.

Ambry Genetics
Classification: Likely pathogenic for Hereditary cancer-predisposing syndrome. Last evaluated: 2025-01-06. Review status: criteria provided, single submitter. Criteria: Ambry Variant Classification Scheme 2023. Collection method: clinical testing. Allele origin: germline.
Comment: The c.7308-1G>C intronic variant results from a G to C substitution one nucleotide upstream from coding exon 49 of the ATM gene. This variant is considered to be rare based on population cohorts in the Genome Aggregation Database (gnomAD). This nucleotide position is highly conserved in available vertebrate species. In silico splice site analysis predicts that this alteration will weaken the native splice acceptor site and will result in the creation or strengthening of a novel splice acceptor site. RNA studies have demonstrated that this alteration results in abnormal splicing in the set of samples tested (Ambry internal data). Alterations that disrupt the canonical splice site are expected to cause aberrant splicing, resulting in an abnormal protein or a transcript that is subject to nonsense-mediated mRNA decay. As such, this alteration is classified as likely pathogenic.

Myriad Genetics, Inc.
Classification: Likely pathogenic for Familial cancer of breast. Last evaluated: 2024-01-31. Review status: criteria provided, single submitter. Criteria: Myriad Autosomal Dominant, Autosomal Recessive and X-Linked Classification Criteria (2023). Collection method: clinical testing. Allele origin: unknown.
Comment: This variant is considered likely pathogenic. This variant occurs within a consensus splice junction and is predicted to result in abnormal mRNA splicing of either an out-of-frame exon or an in-frame exon necessary for protein stability and/or normal function.

Baylor Genetics
Classification: Likely pathogenic for Familial cancer of breast. Last evaluated: 2022-11-22. Review status: criteria provided, single submitter. Criteria: ACMG Guidelines, 2015. Collection method: clinical testing. Allele origin: unknown.

Literature cited by the submitters: PubMed 16199547 (cited by Labcorp Genetics (formerly Invitae), Labcorp); PubMed 23807571 (cited by Labcorp Genetics (formerly Invitae), Labcorp); PubMed 25614872 (cited by Labcorp Genetics (formerly Invitae), Labcorp).

NM_000051.4(ATM):c.7308-1G>C

Genes: ATM (ATM serine/threonine kinase; plus strand), C11orf65 (chromosome 11 open reading frame 65; minus strand). Cytogenetic location: 11q22.3.
Variant type: single nucleotide variant.
Coding change: c.7308-1G>C on transcript NM_000051.4 (MANE Select); the canonical splice acceptor site of the intron before coding-DNA position 7308, G replaced by C.
Molecular consequence: splice acceptor variant. On other transcripts: intron variant (2).
Genome position (GRCh38, 1-based): chr11:108,330,213, G>C. VCF-style: chr11-108330213-G-C. GRCh37 (hg19) VCF-style: chr11-108200940-G-C.
Other names: c.7308-1G>C (NM_001351834.2); c.641-21142C>G (NM_001330368.2); c.*38+5007C>G (NM_001351110.2).
Identifiers: ClinVar variation 482659 (VCV000482659.15), dbSNP rs1555122941, ClinGen allele CA382559857.
Genomic context (GRCh38, chr11:108,330,213, plus strand): 5'-GATTTTGTAGTTCTGTTAAAGTTCATGGCTTTTGTGTTTTACCTTAATTATTCTATGCAA[G>C]ATACACAGTAAAGGTTCAGCGAGAGCTGGAGTTGGATGAATTAGCCCTGCGTGCACTGAA-3'